The following is an entry in ClinVar:

NM_000046.5(ARSB):c.783G>A (p.Lys261=)

Gene: ARSB (arylsulfatase B; minus strand). Cytogenetic location: 5q14.1.
Variant type: single nucleotide variant.
Coding change: c.783G>A on transcript NM_000046.5 (MANE Select); coding-DNA position 783, G replaced by A.
Protein change: p.Lys261=; no amino-acid change (lysine 261 retained).
Molecular consequence: synonymous variant.
Genome position (GRCh38, 1-based): chr5:78,955,410, C>T on the plus strand (G>A on the coding strand, the complement: ARSB is on the minus strand). VCF-style: chr5-78955410-C-T. GRCh37 (hg19) VCF-style: chr5-78251233-C-T.
Other names: c.783G>A, p.Lys261= (NM_198709.3).
Identifiers: ClinVar variation 1137700 (VCV001137700.11), dbSNP rs575119903, ClinGen allele CA3318180.

ClinVar aggregate classification (germline): Likely benign. Review status: criteria provided, multiple submitters, no conflicts (2 of 4 stars). 3 submissions from 3 submitters: Likely benign (3). Last evaluated 2024-09-08.

Conditions:
Mucopolysaccharidosis type 6 (MPS6). Also called: ARSB DEFICIENCY; ARYLSULFATASE B DEFICIENCY; N-ACETYLGALACTOSAMINE-4-SULFATASE DEFICIENCY; MPS VI; MPS 6; Maroteaux Lamy syndrome. Identifiers: Orphanet 583, MedGen C0026709, MONDO:0009661, OMIM 253200.

Allele frequency attached by ClinVar (database versions not stated): TOPMed below 0.00001; gnomAD 0.00001 and 0.00002; gnomAD exomes 0.00001 and 0.00004; ExAC 0.00004; 1000 Genomes Project 30x 0.00031; 1000 Genomes Project 0.00040.
gnomAD v4.1: 21 of 1,614,174 alleles (0.0013%); highest among the groups gnomAD compares: Middle Eastern, 0.016%; no homozygotes.

Submissions (3):

Blueprint Genetics
Classification: Likely benign. Last evaluated: 2024-09-08. Review status: criteria provided, single submitter. Criteria: ACMG Guidelines, 2015. Collection method: clinical testing. Allele origin: germline.

Labcorp Genetics (formerly Invitae), Labcorp
Classification: Likely benign for Mucopolysaccharidosis type 6. Last evaluated: 2023-11-06. Review status: criteria provided, single submitter. Criteria: Invitae Variant Classification Sherloc (09022015). Collection method: clinical testing. Allele origin: germline.

Laboratory of Inherited Metabolic Diseases, Research centre for medical genetics
Classification: Likely benign for Mucopolysaccharidosis type 6. Review status: criteria provided, single submitter. Criteria: ACMG Guidelines, 2015. Collection method: research. Allele origin: germline. Affected: yes. Observed: 1 variant allele, 1 compound heterozygote.
Comment: Patient's mRNA analysis and minigene assay demonstrated no effect of c.783G>A on splicing. Located in-cis with c.966G>A (p.Trp322Ter) nonsense variant.